The following continues an entry in ClinVar:

NM_000059.4(BRCA2):c.5351dup (p.Asn1784fs)

Gene: BRCA2. ClinVar aggregate classification (germline): Pathogenic. Pathogenic (1).

Submissions 11 to 32 of 35:

ARUP Laboratories, Molecular Genetics and Genomics, ARUP Laboratories
Classification: Pathogenic. Last evaluated: 2023-05-02. Review status: criteria provided, single submitter. Criteria: ARUP Molecular Germline Variant Investigation Process 2024. Collection method: clinical testing. Allele origin: germline. Not counted in ClinVar's aggregate classification.
Comment: The BRCA2 c.5351dup; p.Asn1784LysfsTer3 variant (rs80359507), also known as 5579insA, is reported in the literature in numerous individuals with breast and ovarian cancer and has been described as a founder mutation in the Dutch population (Jakimovska 2018, Verhoog 1999, Verhoog 2001, Walsh 2011). This variant is also reported in ClinVar (Variation ID: 37960) and is absent from the Genome Aggregation Database, indicating it is not a common polymorphism. This variant causes a frameshift by inserting a single nucleotide, so it is predicted to result in a truncated protein or mRNA subject to nonsense-mediated decay. Based on the available information, this variant is considered to be pathogenic. References: Jakimovska M et al. BRCA1 and BRCA2 germline variants in breast cancer patients from the Republic of Macedonia. Breast Cancer Res Treat. 2018 Apr;168(3):745-753. PMID: 29335924. Verhoog LC et al. Survival in hereditary breast cancer associated with germline mutations of BRCA2. J Clin Oncol. 1999 Nov;17(11):3396-402. doi: 10.1200/JCO.1999.17.11.3396. PMID: 10550133. Verhoog LC et al. Large regional differences in the frequency of distinct BRCA1/BRCA2 mutations in 517 Dutch breast and/or ovarian cancer families. Eur J Cancer. 2001 Nov;37(16):2082-90. PMID: 11597388. Walsh T et al. Mutations in 12 genes for inherited ovarian, fallopian tube, and peritoneal carcinoma identified by massively parallel sequencing. Proc Natl Acad Sci U S A. 2011 Nov 1;108(44):18032-7. PMID: 22006311.

Blueprint Genetics
Classification: Pathogenic for BRCA2-related disorders. Last evaluated: 2023-02-27. Review status: criteria provided, single submitter. Criteria: ACMG Guidelines, 2015. Collection method: clinical testing. Allele origin: germline. Affected: yes. Observed: 3 variant alleles. Not counted in ClinVar's aggregate classification.

Revvity Omics, Revvity
Classification: Pathogenic. Last evaluated: 2023-02-22. Review status: criteria provided, single submitter. Criteria: ACMG Guidelines, 2015. Collection method: clinical testing. Allele origin: germline. Not counted in ClinVar's aggregate classification.

Centre for Mendelian Genomics, University Medical Centre Ljubljana
Classification: Pathogenic for Breast-ovarian cancer, familial, susceptibility to, 2. Last evaluated: 2022-12-09. Review status: criteria provided, single submitter. Criteria: ACMG Guidelines, 2015. Collection method: research. Allele origin: germline. Affected: no. Not counted in ClinVar's aggregate classification.
Comment: PVS1, PS4_STR PM2_SUP

CHEO Genetics Diagnostic Laboratory, Children's Hospital of Eastern Ontario
Classification: Pathogenic for Breast and/or ovarian cancer. Last evaluated: 2021-03-07. Review status: criteria provided, single submitter. Criteria: ACMG Guidelines, 2015. Collection method: clinical testing. Allele origin: germline. Not counted in ClinVar's aggregate classification.

GeneDx
Classification: Pathogenic. Last evaluated: 2021-01-06. Review status: criteria provided, single submitter. Criteria: GeneDx Variant Classification Process June 2021. Collection method: clinical testing. Allele origin: germline. Affected: yes. Not counted in ClinVar's aggregate classification.
Comment: Frameshift variant predicted to result in protein truncation or nonsense mediated decay in a gene for which loss-of-function is a known mechanism of disease; Observed in individuals with breast and ovarian cancer and is considered a founder pathogenic variant in individuals of Dutch ancestry (Verhoog 1999, Peelen 2000, Spitzer 2000, Janavicius 2010, Walsh 2011, Kang 2015); Truncating variants in this gene are considered pathogenic by a well-established clinical consortium and/or database; Not observed in large population cohorts (Lek 2016); Also known as 5579insA; This variant is associated with the following publications: (PMID: 23199084, 17591843, 11506493, 23364291, 28127413, 21190077, 28918466, 29084914, 25863477, 10638982, 21232165, 10550133, 22006311, 15010701, 25256924, 10699917, 10451700, 25103822, 27425403, 9585613, 29907814, 16683254, 30103829, 29335924, 30186769, 30702160, 33067490, 31589614, 32733560)

Women's Health and Genetics/Laboratory Corporation of America, LabCorp
Classification: Pathogenic for Hereditary breast and ovarian cancer syndrome. Last evaluated: 2020-08-25. Review status: criteria provided, single submitter. Criteria: LabCorp Variant Classification Summary - May 2015. Collection method: clinical testing. Allele origin: germline. Not counted in ClinVar's aggregate classification.
Comment: Variant summary: BRCA2 c.5351dupA (p.Asn1784LysfsX3) results in a premature termination codon, predicted to cause a truncation of the encoded protein or absence of the protein due to nonsense mediated decay, which are commonly known mechanisms for disease. Truncations downstream of this position have been classified as pathogenic by our laboratory. The variant was absent in 250394 control chromosomes. c.5351dupA has been reported in the literature in multiple individuals affected with Hereditary Breast And Ovarian Cancer Syndrome (Neuhausen_1998, vanderHout_2006, Stegel_2011, Solano_2016). These data indicate that the variant is very likely to be associated with disease. To our knowledge, no experimental evidence demonstrating an impact on protein function has been reported. Ten clinical diagnostic laboratories have submitted clinical-significance assessments for this variant to ClinVar after 2014 without evidence for independent evaluation. All laboratories classified the variant as pathogenic. Based on the evidence outlined above, the variant was classified as pathogenic.

Department of Molecular Diagnostics, Institute of Oncology Ljubljana
Classification: Pathogenic for Breast-ovarian cancer, familial, susceptibility to, 1. Last evaluated: 2020-04-02. Review status: criteria provided, single submitter. Criteria: ACMG Guidelines, 2015. Collection method: clinical testing. Allele origin: germline. Affected: yes. Not counted in ClinVar's aggregate classification.

Quest Diagnostics Nichols Institute San Juan Capistrano
Classification: Pathogenic. Last evaluated: 2018-06-24. Review status: criteria provided, single submitter. Criteria: Quest Diagnostics criteria. Collection method: clinical testing. Allele origin: germline. Not counted in ClinVar's aggregate classification.

Cancer Genetics and Genomics Laboratory, British Columbia Cancer Agency
Classification: Pathogenic for Hereditary breast ovarian cancer syndrome. Last evaluated: 2017-04-18. Review status: criteria provided, single submitter. Criteria: ACMG Guidelines, 2015. Collection method: clinical testing. Allele origin: germline. Study: The Canadian Open Genetics Repository (COGR). Not counted in ClinVar's aggregate classification.

Molecular Genetics Laboratory, University of Michigan
Classification: Pathogenic for Breast-ovarian cancer, familial, susceptibility to, 2. Last evaluated: 2016-04-21. Review status: criteria provided, single submitter. Criteria: ACMG Guidelines, 2015. Collection method: clinical testing. Allele origin: germline. Affected: yes. Not counted in ClinVar's aggregate classification.

Consortium of Investigators of Modifiers of BRCA1/2 (CIMBA), c/o University of Cambridge
Classification: Pathogenic for Breast-ovarian cancer, familial, susceptibility to, 2. Last evaluated: 2015-10-02. Review status: criteria provided, single submitter. Criteria: CIMBA Mutation Classification guidelines May 2016. Collection method: clinical testing. Allele origin: germline. Not counted in ClinVar's aggregate classification.

Genesis Genomics
Classification: Pathogenic for Breast-ovarian cancer, familial, susceptibility to, 2. Review status: criteria provided, single submitter. Criteria: ACMG Guidelines, 2015. Collection method: clinical testing. Allele origin: germline. Affected: yes. Observed: 1 variant allele. Not counted in ClinVar's aggregate classification.

University Health Network, Familial Cancer Clinic, Princess Margaret Cancer Centre
Classification: Likely pathogenic for BRCA2-related cancer predisposition. Review status: criteria provided, single submitter. Criteria: ACMG Guidelines, 2015. Collection method: clinical testing. Allele origin: germline. Inheritance: Autosomal dominant inheritance. Affected: no. Observed: 1 variant allele. Not counted in ClinVar's aggregate classification.

BRCAlab, Lund University
Classification: Pathogenic for Breast-ovarian cancer, familial, susceptibility to, 2. Last evaluated: 2022-08-26. Review status: no assertion criteria provided. Collection method: clinical testing. Allele origin: germline. Affected: yes. Not counted in ClinVar's aggregate classification.

Medical Genetics Laboratory, Umraniye Training and Research Hospital, University of Health Sciences
Classification: Pathogenic for Breast carcinoma. Last evaluated: 2021-08-08. Review status: no assertion criteria provided. Collection method: clinical testing. Allele origin: germline. Inheritance: Autosomal dominant inheritance. Affected: yes. Not counted in ClinVar's aggregate classification.

German Consortium for Hereditary Breast and Ovarian Cancer, University Hospital Cologne
Classification: Pathogenic for Ovarian neoplasm. Last evaluated: 2018-12-01. Review status: no assertion criteria provided. Collection method: research. Allele origin: somatic. Affected: yes. Not counted in ClinVar's aggregate classification.

Counsyl
Classification: Pathogenic for Breast-ovarian cancer, familial, susceptibility to, 2. Last evaluated: 2017-01-31. Review status: no assertion criteria provided. Collection method: clinical testing. Allele origin: unknown. Not counted in ClinVar's aggregate classification.

Pathway Genomics
Classification: Pathogenic for Breast-ovarian cancer, familial 2. Last evaluated: 2014-07-24. Review status: no assertion criteria provided. Collection method: clinical testing. Allele origin: germline. Not counted in ClinVar's aggregate classification.

Research Molecular Genetics Laboratory, Women's College Hospital, University of Toronto
Classification: Pathogenic for Hereditary breast ovarian cancer syndrome. Last evaluated: 2014-01-31. Review status: no assertion criteria provided. Collection method: research. Allele origin: germline. Affected: yes. Study: The Canadian Open Genetics Repository (COGR). Not counted in ClinVar's aggregate classification.

Sharing Clinical Reports Project (SCRP)
Classification: Pathogenic for Breast-ovarian cancer, familial 2. Last evaluated: 2011-02-16. Review status: no assertion criteria provided. Collection method: clinical testing. Allele origin: germline. Not counted in ClinVar's aggregate classification.

Breast Cancer Information Core (BIC) (BRCA2)
Classification: Pathogenic for Breast-ovarian cancer, familial 2. Last evaluated: 2002-05-29. Review status: no assertion criteria provided. Collection method: clinical testing. Allele origin: germline, somatic, unknown. Affected: yes. Observed: 16 variant alleles. Not counted in ClinVar's aggregate classification.